The following is an entry in ClinVar:

ClinVar aggregate classification (germline): Uncertain significance (1 of 4 stars; one submission).

Conditions:
Cryptosporidiosis-chronic cholangitis-liver disease syndrome. Also called: IL21R immunodeficiency; Immunodeficiency type 56. Identifiers: Orphanet 357329, MedGen C3554687, MONDO:0014082, OMIM 615207.

Submission:

Labcorp Genetics (formerly Invitae), Labcorp
Classification: Uncertain significance for IL21R immunodeficiency. Last evaluated: 2018-12-20. Review status: criteria provided, single submitter. Criteria: Invitae Variant Classification Sherloc (09022015). Collection method: clinical testing. Allele origin: germline.
Comment: This sequence change replaces valine with leucine at codon 200 of the IL21R protein (p.Val200Leu). The valine residue is highly conserved and there is a small physicochemical difference between valine and leucine. This variant is not present in population databases (ExAC no frequency). This variant has not been reported in the literature in individuals with IL21R-related disease. Algorithms developed to predict the effect of missense changes on protein structure and function output the following: SIFT: "Deleterious"; PolyPhen-2: "Possibly Damaging"; Align-GVGD: "Class C25". The leucine amino acid residue is found in multiple mammalian species, suggesting that this missense change does not adversely affect protein function. These predictions have not been confirmed by published functional studies and their clinical significance is uncertain. In summary, the available evidence is currently insufficient to determine the role of this variant in disease. Therefore, it has been classified as a Variant of Uncertain Significance.

NM_181078.3(IL21R):c.598G>T (p.Val200Leu)

Gene: IL21R (interleukin 21 receptor; plus strand). Cytogenetic location: 16p12.1.
Variant type: single nucleotide variant.
Coding change: c.598G>T on transcript NM_181078.3 (MANE Select); coding-DNA position 598, G replaced by T.
Protein change: p.Val200Leu; replaces valine 200 with leucine.
Molecular consequence: missense variant.
Genome position (GRCh38, 1-based): chr16:27,444,632, G>T. VCF-style: chr16-27444632-G-T. GRCh37 (hg19) VCF-style: chr16-27455953-G-T.
Other names: c.598G>T, p.Val200Leu (NM_021798.4); c.664G>T, p.Val222Leu (NM_181079.5); short protein forms V222L, V200L.
Identifiers: ClinVar variation 651522 (VCV000651522.1), dbSNP rs759494920, ClinGen allele CA395303700.